The following is an entry in ClinVar:

NM_002778.4(PSAP):c.721-11T>C

Gene: PSAP (prosaposin; minus strand). Cytogenetic location: 10q22.1.
Variant type: single nucleotide variant.
Coding change: c.721-11T>C on transcript NM_002778.4 (MANE Select); 11 bases into the intron before coding-DNA position 721, T replaced by C.
Molecular consequence: intron variant.
Genome position (GRCh38, 1-based): chr10:71,825,904, A>G on the plus strand (T>C on the coding strand, the complement: PSAP is on the minus strand). VCF-style: chr10-71825904-A-G. GRCh37 (hg19) VCF-style: chr10-73585661-A-G.
Other names: c.721-11T>C (NM_001042466.3, NM_001042465.3).
Identifiers: ClinVar variation 2143378 (VCV002143378.1), dbSNP rs758077180, ClinGen allele CA5547675.
Genomic context (GRCh38, chr10:71,825,904, plus strand): 5'-ATCATCATCTGGATAGCAATTTCAGAATACTGGCTGATATAGTTCTTGCACTGAGGAGAG[A>G]GAAACAGATTGCTAAACAAATCACTGCAACAATGCACCAAAACCCAACCAACAAAAACCC-3'

ClinVar aggregate classification (germline): Uncertain significance (1 of 4 stars; one submission).

Conditions:
Sphingolipid activator protein 1 deficiency. Also called: Metachromatic leukodystrophy due to saposin B deficiency; METACHROMATIC LEUKODYSTROPHY DUE TO CEREBROSIDE SULFATASE ACTIVATOR DEFICIENCY; Saposin B Deficiency. Identifiers: Orphanet 512, MedGen C0268262, MONDO:0009590, OMIM 249900.

Allele frequency attached by ClinVar (database versions not stated): ExAC 0.00001; gnomAD exomes 0.00001; gnomAD 0.00002; TOPMed 0.00002.
gnomAD v4.1: 13 of 1,611,256 alleles (0.00081%); highest among the groups gnomAD compares: Non-Finnish European, 0.001%; no homozygotes.

Submission:

Labcorp Genetics (formerly Invitae), Labcorp
Classification: Uncertain significance for Sphingolipid activator protein 1 deficiency. Last evaluated: 2022-08-20. Review status: criteria provided, single submitter. Criteria: Invitae Variant Classification Sherloc (09022015). Collection method: clinical testing. Allele origin: germline.
Comment: This sequence change falls in intron 6 of the PSAP gene. It does not directly change the encoded amino acid sequence of the PSAP protein. This variant is present in population databases (rs758077180, gnomAD 0.002%). This variant has not been reported in the literature in individuals affected with PSAP-related conditions. Algorithms developed to predict the effect of sequence changes on RNA splicing suggest that this variant may disrupt the consensus splice site. In summary, the available evidence is currently insufficient to determine the role of this variant in disease. Therefore, it has been classified as a Variant of Uncertain Significance.